The following is an entry in ClinVar:

NM_001035.3(RYR2):c.7625C>A (p.Ala2542Asp)

Gene: RYR2 (ryanodine receptor 2; plus strand). Cytogenetic location: 1q43.
Variant type: single nucleotide variant.
Coding change: c.7625C>A on transcript NM_001035.3 (MANE Select); coding-DNA position 7625, C replaced by A.
Protein change: p.Ala2542Asp; replaces alanine 2542 with aspartic acid.
Molecular consequence: missense variant.
Genome position (GRCh38, 1-based): chr1:237,649,989, C>A. VCF-style: chr1-237649989-C-A. GRCh37 (hg19) VCF-style: chr1-237813289-C-A.
Other names: short protein forms A2542D.
Identifiers: ClinVar variation 3072534 (VCV003072534.1), dbSNP rs1682568554, ClinGen allele CA345399214.

ClinVar aggregate classification (germline): Uncertain significance (1 of 4 stars; one submission).

Conditions:
Catecholaminergic polymorphic ventricular tachycardia (CVPT). Also called: Catecholamine-induced polymorphic ventricular tachycardia. Identifiers: Orphanet 3286, MedGen C5574922, MONDO:0017990.

Allele frequency attached by ClinVar (database versions not stated): TOPMed below 0.00001.

Submission:

All of Us Research Program, National Institutes of Health
Classification: Uncertain significance for Catecholaminergic polymorphic ventricular tachycardia. Last evaluated: 2023-08-15. Review status: criteria provided, single submitter. Criteria: ACMG Guidelines, 2015. Collection method: clinical testing. Allele origin: germline. Inheritance: Autosomal dominant inheritance. Observed: 1 variant allele, 1 heterozygote.
Comment: This study involves interpretation of variants in research participants for the purpose of population health screening. Participant phenotype was not available at the time of variant classification. Additional details can be found in publication PMID: 35346344, PMCID: PMC8962531